The following is an entry in ClinVar:

ClinVar aggregate classification (germline): Benign/Likely benign. Review status: criteria provided, multiple submitters, no conflicts (2 of 4 stars). 13 submissions from 12 submitters: Benign (6); Likely benign (5). 2 of the submissions do not count toward it. Last evaluated 2026-02-01.

Conditions:
Familial thoracic aortic aneurysm and aortic dissection (TAAD). Also called: Thoracic aortic aneurysms and dissections. Identifiers: Orphanet 91387, MedGen C4707243, MONDO:0019625.
Adams-Oliver syndrome 5 (AOS5). Identifiers: Orphanet 974, MedGen C4014970, MONDO:0014459, OMIM 616028.
Aortic valve disease 1 (AOVD1). Identifiers: MedGen C3887892, MONDO:0024523, OMIM 109730.

Allele frequency attached by ClinVar (database versions not stated): gnomAD exomes 0.00012 and 0.00024; ExAC 0.00027; ESP Exome Variant Server 0.00095; gnomAD 0.00105 and 0.00108; TOPMed 0.00112; 1000 Genomes Project 0.00260; 1000 Genomes Project 30x 0.00265.
gnomAD v4.1: 348 of 1,613,500 alleles (0.022%); highest among the groups gnomAD compares: African/African-American, 0.37%; 1 homozygote.

Submissions (13):

Labcorp Genetics (formerly Invitae), Labcorp
Classification: Benign for Adams-Oliver syndrome 5. Last evaluated: 2026-02-01. Review status: criteria provided, single submitter. Criteria: Invitae Variant Classification Sherloc (09022015). Collection method: clinical testing. Allele origin: germline.

Blueprint Genetics
Classification: Likely benign. Last evaluated: 2024-05-27. Review status: criteria provided, single submitter. Criteria: ACMG Guidelines, 2015. Collection method: clinical testing. Allele origin: germline.

CeGaT Center for Human Genetics Tuebingen
Classification: Likely benign. Last evaluated: 2024-01-01. Review status: criteria provided, single submitter. Criteria: CeGaT Center For Human Genetics Tuebingen Variant Classification Criteria Version 2. Collection method: clinical testing. Allele origin: germline. Affected: yes. Observed: 1 variant allele.
Comment: NOTCH1: BP4, BP7, BS1

ARUP Laboratories, Molecular Genetics and Genomics, ARUP Laboratories
Classification: Benign. Last evaluated: 2023-08-08. Review status: criteria provided, single submitter. Criteria: ARUP Molecular Germline Variant Investigation Process 2024. Collection method: clinical testing. Allele origin: germline.

Women's Health and Genetics/Laboratory Corporation of America, LabCorp
Classification: Benign. Last evaluated: 2023-07-21. Review status: criteria provided, single submitter. Criteria: LabCorp Variant Classification Summary - May 2015. Collection method: clinical testing. Allele origin: germline.

Genome-Nilou Lab
Classification: Benign for Adams-Oliver syndrome 5. Last evaluated: 2022-03-15. Review status: criteria provided, single submitter. Criteria: ACMG Guidelines, 2015. Collection method: clinical testing. Allele origin: germline. Affected: no.

Genome-Nilou Lab
Classification: Benign for Aortic valve disease 1. Last evaluated: 2022-03-15. Review status: criteria provided, single submitter. Criteria: ACMG Guidelines, 2015. Collection method: clinical testing. Allele origin: germline. Affected: no.

GeneDx
Classification: Likely benign. Last evaluated: 2020-09-25. Review status: criteria provided, single submitter. Criteria: GeneDx Variant Classification Process June 2021. Collection method: clinical testing. Allele origin: germline. Affected: yes.

CHEO Genetics Diagnostic Laboratory, Children's Hospital of Eastern Ontario
Classification: Benign for Familial thoracic aortic aneurysm and aortic dissection. Last evaluated: 2017-11-01. Review status: criteria provided, single submitter. Criteria: ACMG Guidelines, 2015. Collection method: clinical testing. Allele origin: germline.

Ambry Genetics
Classification: Likely benign for Familial thoracic aortic aneurysm and aortic dissection. Last evaluated: 2017-09-12. Review status: criteria provided, single submitter. Criteria: Ambry Variant Classification Scheme 2023. Collection method: clinical testing. Allele origin: germline.

Breakthrough Genomics
Classification: Likely benign. Review status: criteria provided, single submitter. Criteria: ACMG Guidelines, 2015. Collection method: not provided. Allele origin: germline. Inheritance: Autosomal dominant inheritance. Affected: yes.

Clinical Genetics DNA and cytogenetics Diagnostics Lab, Erasmus MC, Erasmus Medical Center
Classification: Likely benign. Review status: no assertion criteria provided. Collection method: clinical testing. Allele origin: germline. Affected: yes. Study: VKGL Data-share Consensus. Not counted in ClinVar's aggregate classification.

Genome Diagnostics Laboratory, Amsterdam University Medical Center
Classification: Likely benign. Review status: no assertion criteria provided. Collection method: clinical testing. Allele origin: germline. Affected: yes. Study: VKGL Data-share Consensus. Not counted in ClinVar's aggregate classification.

Literature cited by the submitters: PubMed 24943832 (cited by Women's Health and Genetics/Laboratory Corporation of America, LabCorp); PubMed 16614245 (cited by Women's Health and Genetics/Laboratory Corporation of America, LabCorp); PubMed 21670202 (cited by Women's Health and Genetics/Laboratory Corporation of America, LabCorp); PubMed 22210878 (cited by Women's Health and Genetics/Laboratory Corporation of America, LabCorp); PubMed 19635999 (cited by Women's Health and Genetics/Laboratory Corporation of America, LabCorp); PubMed 26837699 (cited by Women's Health and Genetics/Laboratory Corporation of America, LabCorp); PubMed 23086750 (cited by Women's Health and Genetics/Laboratory Corporation of America, LabCorp); PubMed 19245433 (cited by Women's Health and Genetics/Laboratory Corporation of America, LabCorp); PubMed 22077063 (cited by Women's Health and Genetics/Laboratory Corporation of America, LabCorp); PubMed 15472075 (cited by Women's Health and Genetics/Laboratory Corporation of America, LabCorp); PubMed 23734977 (cited by Women's Health and Genetics/Laboratory Corporation of America, LabCorp); PubMed 22858860 (cited by Women's Health and Genetics/Laboratory Corporation of America, LabCorp).

NM_017617.5(NOTCH1):c.6105C>T (p.Ala2035=)

Genes: NOTCH1 (notch receptor 1; minus strand), LOC126860794 (BRD4-independent group 4 enhancer GRCh37_chr9:139392592-139393791; plus strand). Cytogenetic location: 9q34.3.
Variant type: single nucleotide variant.
Coding change: c.6105C>T on transcript NM_017617.5 (MANE Select); coding-DNA position 6105, C replaced by T.
Protein change: p.Ala2035=; no amino-acid change (alanine 2035 retained).
Molecular consequence: synonymous variant.
Genome position (GRCh38, 1-based): chr9:136,498,974, G>A on the plus strand (C>T on the coding strand, the complement: NOTCH1 is on the minus strand). VCF-style: chr9-136498974-G-A. GRCh37 (hg19) VCF-style: chr9-139393426-G-A.
Other names: c.6105C>T, p.Ala2035= (LRG_1122t1); c.6105C>T (NM_017617.4).
Identifiers: ClinVar variation 241158 (VCV000241158.48), dbSNP rs188357478, ClinGen allele CA5340019.
Genomic context (GRCh38, chr9:136,498,974, plus strand): 5'-ATCTTTGTTAGCCCCGTTCTTCAGGAGCACAACTGCGGCATCCACATTGTTCACGGCGGC[G>A]GCCCAGTGCAGGGCGGACTTGCCTGCGTGAAAGAAGCAGATGGGGTAGGTTGGAGACCAG-3'
Protein context (NP_060087.3, residues 2025-2045): DDLGKSALHW[Ala2035=]AAVNNVDAAV